The following is an entry in ClinVar:

NM_003331.5(TYK2):c.1003_1005del (p.Lys335del)

Gene: TYK2 (tyrosine kinase 2; minus strand). Cytogenetic location: 19p13.2.
Variant type: Deletion.
Coding change: c.1003_1005del on transcript NM_003331.5 (MANE Select); coding-DNA positions 1003 to 1005, 3 bases deleted (AAG; older notation c.1003_1005delAAG).
Protein change: p.Lys335del; deletes lysine 335.
Genome position (GRCh38, 1-based): chr19:10,365,523-10,365,525, CTT deleted on the plus strand (AAG on the coding strand, the reverse complement: TYK2 is on the minus strand). VCF-style (leftmost placement, unchanged base first): chr19-10365522-CCTT-C. GRCh37 (hg19) VCF-style: chr19-10476198-CCTT-C.
Other names: c.1003_1005del, p.Lys335del (NM_001385197.1, NM_001385198.1, NM_001385199.1 and 8 more transcripts); c.913_915del, p.Lys305del (NM_001385205.1); short protein forms K305del, K335del.
Identifiers: ClinVar variation 3713744 (VCV003713744.2).

ClinVar aggregate classification (germline): Uncertain significance (1 of 4 stars; one submission).

Conditions:
Immunodeficiency 35 (IMD35). Also called: HIES WITH ATYPICAL MYCOBACTERIOSIS, AUTOSOMAL RECESSIVE; HYPER-IgE SYNDROME WITH ATYPICAL MYCOBACTERIOSIS, AUTOSOMAL RECESSIVE; TYK2 DEFICIENCY; Susceptibility to infection due to TYK2 deficiency. Identifiers: Orphanet 331226, MedGen C1969086, MONDO:0012682, OMIM 611521.

Submission:

Labcorp Genetics (formerly Invitae), Labcorp
Classification: Uncertain significance for Immunodeficiency 35. Last evaluated: 2024-07-23. Review status: criteria provided, single submitter. Criteria: Invitae Variant Classification Sherloc (09022015). Collection method: clinical testing. Allele origin: germline.
Comment: This variant, c.1003_1005del, results in the deletion of 1 amino acid(s) of the TYK2 protein (p.Lys335del), but otherwise preserves the integrity of the reading frame. This variant is present in population databases (no rsID available, gnomAD 0.006%). This variant has not been reported in the literature in individuals affected with TYK2-related conditions. Experimental studies and prediction algorithms are not available or were not evaluated, and the functional significance of this variant is currently unknown. In summary, the available evidence is currently insufficient to determine the role of this variant in disease. Therefore, it has been classified as a Variant of Uncertain Significance.